The following is an entry in ClinVar:

ClinVar aggregate classification (germline): Uncertain significance. Review status: criteria provided, multiple submitters, no conflicts (2 of 4 stars). 3 submissions from 3 submitters: Uncertain significance (2). 1 of the submissions does not count toward it. Last evaluated 2024-02-24.

Conditions:
Usher syndrome type 1B (USH1B). Also called: Usher syndrome type IB. Identifiers: MedGen C1848638, MONDO:0700087.

Allele frequency attached by ClinVar (database versions not stated): ExAC 0.00001; gnomAD exomes 0.00001 and 0.00002; TOPMed 0.00002; gnomAD 0.00003 and 0.00004; ESP Exome Variant Server 0.00008.
gnomAD v4.1: 28 of 1,613,854 alleles (0.0017%); highest among the groups gnomAD compares: Non-Finnish European, 0.0022%; no homozygotes.

Submissions (3):

Labcorp Genetics (formerly Invitae), Labcorp
Classification: Uncertain significance. Last evaluated: 2024-02-24. Review status: criteria provided, single submitter. Criteria: Invitae Variant Classification Sherloc (09022015). Collection method: clinical testing. Allele origin: germline.
Comment: This sequence change replaces alanine, which is neutral and non-polar, with valine, which is neutral and non-polar, at codon 1340 of the MYO7A protein (p.Ala1340Val). This variant is present in population databases (rs370330847, gnomAD 0.004%). This variant has not been reported in the literature in individuals affected with MYO7A-related conditions. ClinVar contains an entry for this variant (Variation ID: 1058843). Advanced modeling of protein sequence and biophysical properties (such as structural, functional, and spatial information, amino acid conservation, physicochemical variation, residue mobility, and thermodynamic stability) performed at Invitae indicates that this missense variant is not expected to disrupt MYO7A protein function with a negative predictive value of 95%. In summary, the available evidence is currently insufficient to determine the role of this variant in disease. Therefore, it has been classified as a Variant of Uncertain Significance.

Blueprint Genetics
Classification: Uncertain significance. Last evaluated: 2021-10-14. Review status: criteria provided, single submitter. Criteria: ACMG Guidelines, 2015. Collection method: clinical testing. Allele origin: germline.

Natera, Inc.
Classification: Uncertain significance for Usher syndrome type 1B. Last evaluated: 2020-01-24. Review status: no assertion criteria provided. Collection method: clinical testing. Allele origin: germline. Not counted in ClinVar's aggregate classification.

NM_000260.4(MYO7A):c.4019C>T (p.Ala1340Val)

Gene: MYO7A (myosin VIIA; plus strand). Cytogenetic location: 11q13.5.
Variant type: single nucleotide variant.
Coding change: c.4019C>T on transcript NM_000260.4 (MANE Select); coding-DNA position 4019, C replaced by T.
Protein change: p.Ala1340Val; replaces alanine 1340 with valine.
Molecular consequence: missense variant.
Genome position (GRCh38, 1-based): chr11:77,192,145, C>T. VCF-style: chr11-77192145-C-T. GRCh37 (hg19) VCF-style: chr11-76903190-C-T.
Other names: c.4019C>T, p.Ala1340Val (NM_001127180.2); c.3986C>T, p.Ala1329Val (NM_001369365.1); short protein forms A1329V, A1340V.
Identifiers: ClinVar variation 1058843 (VCV001058843.8), dbSNP rs370330847, ClinGen allele CA6198290.